The following is an entry in ClinVar:

NM_001378452.1(ITPR1):c.5726C>T (p.Ala1909Val)

Gene: ITPR1 (inositol 1,4,5-trisphosphate receptor type 1; plus strand). Cytogenetic location: 3p26.1.
Variant type: single nucleotide variant.
Coding change: c.5726C>T on transcript NM_001378452.1 (MANE Select); coding-DNA position 5726, C replaced by T.
Protein change: p.Ala1909Val; replaces alanine 1909 with valine.
Molecular consequence: missense variant.
Genome position (GRCh38, 1-based): chr3:4,768,511, C>T. VCF-style: chr3-4768511-C-T. GRCh37 (hg19) VCF-style: chr3-4810195-C-T.
Other names: c.5582C>T, p.Ala1861Val (NM_001099952.4); c.5681C>T, p.Ala1894Val (NM_001168272.2); c.5537C>T, p.Ala1846Val (NM_002222.7); short protein forms A1909V, A1846V, A1861V, A1894V.
Identifiers: ClinVar variation 3627865 (VCV003627865.2).

ClinVar aggregate classification (germline): Uncertain significance (1 of 4 stars; one submission).

gnomAD v4.1: 6 of 1,601,270 alleles (0.00037%); highest among the groups gnomAD compares: African/African-American, 0.004%; no homozygotes.

Submission:

Labcorp Genetics (formerly Invitae), Labcorp
Classification: Uncertain significance. Last evaluated: 2024-08-22. Review status: criteria provided, single submitter. Criteria: Invitae Variant Classification Sherloc (09022015). Collection method: clinical testing. Allele origin: germline.
Comment: This sequence change replaces alanine, which is neutral and non-polar, with valine, which is neutral and non-polar, at codon 1846 of the ITPR1 protein (p.Ala1846Val). This variant is present in population databases (rs749327490, gnomAD 0.003%). This variant has not been reported in the literature in individuals affected with ITPR1-related conditions. An algorithm developed to predict the effect of missense changes on protein structure and function (PolyPhen-2) suggests that this variant is likely to be tolerated. In summary, the available evidence is currently insufficient to determine the role of this variant in disease. Therefore, it has been classified as a Variant of Uncertain Significance.